The following is an entry in ClinVar:

ClinVar aggregate classification (germline): Benign. Review status: criteria provided, multiple submitters, no conflicts (2 of 4 stars). 9 submissions from 8 submitters: Benign (6). 3 of the submissions do not count toward it. Last evaluated 2026-08-01.

Conditions:
Usher syndrome type 2A. Also called: USHER SYNDROME, TYPE IIA; RETINAL DISEASE IN USHER SYNDROME TYPE IIA, MODIFIER OF. Identifiers: Orphanet 231178, Orphanet 886, MedGen C1848634, MONDO:0010169, OMIM 276901.
Retinitis pigmentosa 39 (RP39). Identifiers: Orphanet 791, MedGen C3151138, MONDO:0013436, OMIM 613809.

Allele frequency attached by ClinVar (database versions not stated): ESP Exome Variant Server 0.00015; gnomAD 0.00020 and 0.00063; TOPMed 0.00029; gnomAD exomes 0.00163; ExAC 0.00196; 1000 Genomes Project 30x 0.00234; 1000 Genomes Project 0.00300.
gnomAD v4.1: 1,577 of 1,614,044 alleles (0.098%); highest among the groups gnomAD compares: South Asian, 1.2%; 23 homozygotes.

Submissions (9):

CeGaT Center for Human Genetics Tuebingen
Classification: Benign. Last evaluated: 2026-08-01. Review status: criteria provided, single submitter. Criteria: CeGaT Center For Human Genetics Tuebingen Variant Classification Criteria Version 2. Collection method: clinical testing. Allele origin: germline. Affected: yes. Observed: 2 variant alleles.
Comment: USH2A: BP4, BS1, BS2

Labcorp Genetics (formerly Invitae), Labcorp
Classification: Benign. Last evaluated: 2026-01-31. Review status: criteria provided, single submitter. Criteria: Invitae Variant Classification Sherloc (09022015). Collection method: clinical testing. Allele origin: germline.

Genome-Nilou Lab
Classification: Benign for Retinitis pigmentosa 39. Last evaluated: 2023-11-04. Review status: criteria provided, single submitter. Criteria: ACMG Guidelines, 2015. Collection method: clinical testing. Allele origin: germline. Affected: no.

Genome-Nilou Lab
Classification: Benign for Usher syndrome type 2A. Last evaluated: 2023-11-04. Review status: criteria provided, single submitter. Criteria: ACMG Guidelines, 2015. Collection method: clinical testing. Allele origin: germline. Affected: no.

GeneDx
Classification: Benign. Last evaluated: 2019-07-22. Review status: criteria provided, single submitter. Criteria: GeneDx Variant Classification Process June 2021. Collection method: clinical testing. Allele origin: germline. Affected: yes.

Laboratory for Molecular Medicine, Mass General Brigham Personalized Medicine
Classification: Benign. Last evaluated: 2017-12-14. Review status: criteria provided, single submitter. Criteria: LMM Criteria. Collection method: clinical testing. Allele origin: germline. Observed: 2 variant alleles.
Comment: Val3354Val in Exon 51 of USH2A: This variant is not expected to have clinical si gnificance because it does not alter an amino acid residue, is not located withi n the splice consensus sequence, and has been identified in 1% (348/30782) of So uth Asian chromosomes including 1 homozygote by the Genome Aggregation Database (gnomAD; dbSNP rs200172376).

Natera, Inc.
Classification: Benign for Usher syndrome type 2A. Last evaluated: 2019-12-16. Review status: no assertion criteria provided. Collection method: clinical testing. Allele origin: germline. Not counted in ClinVar's aggregate classification.

Clinical Genetics DNA and cytogenetics Diagnostics Lab, Erasmus MC, Erasmus Medical Center
Classification: Likely benign. Review status: no assertion criteria provided. Collection method: clinical testing. Allele origin: germline. Affected: yes. Study: VKGL Data-share Consensus. Not counted in ClinVar's aggregate classification.

Clinical Genetics, Academic Medical Center
Classification: Likely benign. Review status: no assertion criteria provided. Collection method: clinical testing. Allele origin: germline. Affected: yes. Study: VKGL Data-share Consensus. Not counted in ClinVar's aggregate classification.

NM_206933.4(USH2A):c.10062G>C (p.Val3354=)

Gene: USH2A (usherin; minus strand). Cytogenetic location: 1q41.
Variant type: single nucleotide variant.
Coding change: c.10062G>C on transcript NM_206933.4 (MANE Select); coding-DNA position 10062, G replaced by C.
Protein change: p.Val3354=; no amino-acid change (valine 3354 retained).
Molecular consequence: synonymous variant.
Genome position (GRCh38, 1-based): chr1:215,790,179, C>G on the plus strand (G>C on the coding strand, the complement: USH2A is on the minus strand). VCF-style: chr1-215790179-C-G. GRCh37 (hg19) VCF-style: chr1-215963521-C-G.
Identifiers: ClinVar variation 166458 (VCV000166458.45), dbSNP rs200172376, ClinGen allele CA179524.
Genomic context (GRCh38, chr1:215,790,179, plus strand): 5'-AACTCCATTACAGCATTTCTGGCTCTTTGGAATAAGTTCAGTCTCACAGCATTTTACTGG[C>G]ACCGGGTCATTCTTTTTAATATGTGCTTTAGACTCTCCACTGGAAGCTGAGCAGCATATG-3'
Protein context (NP_996816.3, residues 3344-3364): SKAHIKKNDP[Val3354=]PVKCCETELI